The following is an entry in ClinVar:

ClinVar aggregate classification (germline): Pathogenic (1 of 4 stars; one submission).

Submission:

ISCA Site 6
Classification: Pathogenic. Last evaluated: 2011-08-12. Review status: criteria provided, single submitter. Criteria: Kaminsky et al. (Genet Med. 2011). Collection method: clinical testing. Allele origin: unknown. Affected: yes. Observed: 1 variant allele.
Comment: Copy number variation identified through the course of routine clinical cytogenomic testing in postnatal populations. Clinical assertions have been curated as described in Kaminsky et al. 2011.

GRCh38/hg38 7q11.23(chr7:73286412-74725240)x3

Genes: ABHD11 (abhydrolase domain containing 11; minus strand), ABHD11-AS1 (ABHD11 antisense RNA 1 (tail to tail); plus strand), BAZ1B (bromodomain adjacent to zinc finger domain 1B; minus strand), BCL7B (BAF chromatin remodeling complex subunit BCL7B; minus strand), BUD23 (BUD23 rRNA methyltransferase and ribosome maturation factor; plus strand) and 127 more. Cytogenetic location: 7q11.23.
Variant type: copy number gain.
Change: copy number 3 (three copies instead of two) of chr7:73,286,412-74,725,240 (1.44 Mb, GRCh38 coordinates, 1-based), cytogenetic band 7q11.23.
Identifiers: ClinVar variation 59317 (VCV000059317.2).